The following is an entry in ClinVar:

NM_001204.7(BMPR2):c.2342T>C (p.Leu781Ser)

Gene: BMPR2 (bone morphogenetic protein receptor type 2; plus strand). Cytogenetic location: 2q33.2.
Variant type: single nucleotide variant.
Coding change: c.2342T>C on transcript NM_001204.7 (MANE Select); coding-DNA position 2342, T replaced by C.
Protein change: p.Leu781Ser; replaces leucine 781 with serine.
Molecular consequence: missense variant.
Genome position (GRCh38, 1-based): chr2:202,556,007, T>C. VCF-style: chr2-202556007-T-C. GRCh37 (hg19) VCF-style: chr2-203420730-T-C.
Other names: short protein forms L781S.
Identifiers: ClinVar variation 3992067 (VCV003992067.1).

ClinVar aggregate classification (germline): Uncertain significance (1 of 4 stars; one submission).

Conditions:
Inborn genetic diseases. Identifiers: MedGen C0950123, MeSH D030342.

gnomAD v4.1: 5 of 1,614,124 alleles (0.00031%); highest among the groups gnomAD compares: Non-Finnish European, 0.00042%; no homozygotes.

Submission:

Ambry Genetics
Classification: Uncertain significance for Inborn genetic diseases. Last evaluated: 2025-03-27. Review status: criteria provided, single submitter. Criteria: Ambry Variant Classification Scheme 2023. Collection method: clinical testing. Allele origin: germline.
Comment: The p.L781S variant (also known as c.2342T>C), located in coding exon 12 of the BMPR2 gene, results from a T to C substitution at nucleotide position 2342. The leucine at codon 781 is replaced by serine, an amino acid with dissimilar properties. This amino acid position is conserved. In addition, this alteration is predicted to be deleterious by in silico analysis. Based on the available evidence, the clinical significance of this variant remains unclear.